The following is an entry in ClinVar:

NM_058216.3(RAD51C):c.146-4T>C

Gene: RAD51C (RAD51 paralog C; plus strand). Cytogenetic location: 17q22.
Variant type: single nucleotide variant.
Coding change: c.146-4T>C on transcript NM_058216.3 (MANE Select); 4 bases into the intron before coding-DNA position 146, T replaced by C.
Molecular consequence: intron variant.
Genome position (GRCh38, 1-based): chr17:58,694,927, T>C. VCF-style: chr17-58694927-T-C. GRCh37 (hg19) VCF-style: chr17-56772288-T-C.
Other names: c.146-4T>C (NM_002876.4).
Identifiers: ClinVar variation 1085495 (VCV001085495.14), dbSNP rs2143716945, ClinGen allele CA2499224758.

ClinVar aggregate classification (germline): Likely benign. Review status: criteria provided, multiple submitters, no conflicts (2 of 4 stars). 4 submissions from 4 submitters: Likely benign (4). Last evaluated 2025-02-14.

Conditions:
Fanconi anemia complementation group O. Also called: RAD51C-Related Fanconi Anemia. Identifiers: Orphanet 84, MedGen C3150653, MONDO:0013248, OMIM 613390.
Hereditary cancer-predisposing syndrome. Also called: Neoplastic Syndromes, Hereditary; Hereditary neoplastic syndrome; Hereditary Cancer Syndrome; Tumor predisposition. Identifiers: Orphanet 140162, MedGen C0027672, MeSH D009386, MONDO:0015356.
Breast-ovarian cancer, familial, susceptibility to, 3. Also called: RAD51C-Related Breast/Ovarian Cancer. Identifiers: Orphanet 145, MedGen C3150659, MONDO:0013253, OMIM 613399.

Allele frequency attached by ClinVar (database versions not stated): gnomAD exomes below 0.00001.
gnomAD v4.1: 2 of 1,610,676 alleles (0.00012%); highest among the groups gnomAD compares: Non-Finnish European, 0.00017%; no homozygotes.

Submissions (4):

Myriad Genetics, Inc.
Classification: Likely benign for Breast-ovarian cancer, familial, susceptibility to, 3. Last evaluated: 2025-02-14. Review status: criteria provided, single submitter. Criteria: Myriad Autosomal Dominant, Autosomal Recessive and X-Linked Classification Criteria (2023). Collection method: clinical testing. Allele origin: unknown.
Comment: This variant is considered likely benign. This variant is intronic and is not expected to impact mRNA splicing.

Labcorp Genetics (formerly Invitae), Labcorp
Classification: Likely benign for Fanconi anemia complementation group O. Last evaluated: 2025-02-10. Review status: criteria provided, single submitter. Criteria: Invitae Variant Classification Sherloc (09022015). Collection method: clinical testing. Allele origin: germline.

Ambry Genetics
Classification: Likely benign for Hereditary cancer-predisposing syndrome. Last evaluated: 2023-11-15. Review status: criteria provided, single submitter. Criteria: Ambry Variant Classification Scheme 2023. Collection method: clinical testing. Allele origin: germline.

Color Diagnostics, LLC DBA Color Health
Classification: Likely benign for Hereditary cancer-predisposing syndrome. Last evaluated: 2021-11-17. Review status: criteria provided, single submitter. Criteria: ACMG Guidelines, 2015. Collection method: clinical testing. Allele origin: germline.